The following is an entry in ClinVar:

ClinVar aggregate classification (germline): Likely pathogenic (1 of 4 stars; one submission).

Conditions:
Lethal Kniest-like syndrome (DDSH). Also called: Dyssegmental Dysplasia. Identifiers: Orphanet 1865, MedGen C1857100, MONDO:0009140, OMIM 224410.

gnomAD v4.1: 12 of 1,584,540 alleles (0.00076%); highest among the groups gnomAD compares: Admixed American, 0.0018%; no homozygotes.

Submission:

Laboratorio de Genetica e Diagnostico Molecular, Hospital Israelita Albert Einstein
Classification: Likely pathogenic for Lethal Kniest-like syndrome. Last evaluated: 2023-01-13. Review status: criteria provided, single submitter. Criteria: ACMG Guidelines, 2015. Collection method: clinical testing. Allele origin: germline. Affected: yes. Observed: 1 variant allele.
Comment: ACMG classification criteria: PVS1 very strong, PM2 moderated

NM_005529.7(HSPG2):c.6259C>T (p.Arg2087Ter)

Gene: HSPG2 (heparan sulfate proteoglycan 2; minus strand). Cytogenetic location: 1p36.12.
Variant type: single nucleotide variant.
Coding change: c.6259C>T on transcript NM_005529.7 (MANE Select); coding-DNA position 6259, C replaced by T.
Protein change: p.Arg2087Ter; replaces arginine 2087 with a stop codon.
Molecular consequence: nonsense.
Genome position (GRCh38, 1-based): chr1:21,854,640, G>A on the plus strand (C>T on the coding strand, the complement: HSPG2 is on the minus strand). VCF-style: chr1-21854640-G-A. GRCh37 (hg19) VCF-style: chr1-22181133-G-A.
Other names: c.6262C>T, p.Arg2088Ter (NM_001291860.2); short protein forms R2087*, R2088*.
Identifiers: ClinVar variation 2431557 (VCV002431557.1), dbSNP rs1196835948, ClinGen allele CA338933660.